The following is an entry in ClinVar:

ClinVar aggregate classification (germline): Benign/Likely benign. Review status: criteria provided, multiple submitters, no conflicts (2 of 4 stars). 3 submissions from 3 submitters: Benign (1); Likely benign (2). Last evaluated 2024-03-14.

Conditions:
Hereditary cancer-predisposing syndrome. Also called: Tumor predisposition; Hereditary Cancer Syndrome; Neoplastic Syndromes, Hereditary; Hereditary neoplastic syndrome. Identifiers: Orphanet 140162, MedGen C0027672, MeSH D009386, MONDO:0015356.
Familial adenomatous polyposis 1 (FAP1). Also called: FAMILIAL ADENOMATOUS POLYPOSIS 1, ATTENUATED; POLYPOSIS, ADENOMATOUS INTESTINAL. Identifiers: MedGen C2713442, MONDO:0021056, OMIM 175100. Disease mechanism: loss of function.

Submissions (3):

Myriad Genetics, Inc.
Classification: Benign for Familial adenomatous polyposis 1. Last evaluated: 2024-03-14. Review status: criteria provided, single submitter. Criteria: Myriad Autosomal Dominant, Autosomal Recessive and X-Linked Classification Criteria (2023). Collection method: clinical testing. Allele origin: unknown.
Comment: This variant is considered benign. This variant is a silent/synonymous amino acid change and it is not expected to impact splicing.

Labcorp Genetics (formerly Invitae), Labcorp
Classification: Likely benign for Familial adenomatous polyposis 1. Last evaluated: 2023-11-06. Review status: criteria provided, single submitter. Criteria: Invitae Variant Classification Sherloc (09022015). Collection method: clinical testing. Allele origin: germline.

Ambry Genetics
Classification: Likely benign for Hereditary cancer-predisposing syndrome. Last evaluated: 2015-11-10. Review status: criteria provided, single submitter. Criteria: Ambry Variant Classification Scheme 2023. Collection method: clinical testing. Allele origin: germline.

NM_000038.6(APC):c.2541A>G (p.Glu847=)

Gene: APC (APC regulator of Wnt signaling pathway; plus strand). Cytogenetic location: 5q22.2.
Variant type: single nucleotide variant.
Coding change: c.2541A>G on transcript NM_000038.6 (MANE Select); coding-DNA position 2541, A replaced by G.
Protein change: p.Glu847=; no amino-acid change (glutamic acid 847 retained).
Molecular consequence: synonymous variant. On other transcripts: non-coding transcript variant (2).
Genome position (GRCh38, 1-based): chr5:112,838,135, A>G. VCF-style: chr5-112838135-A-G. GRCh37 (hg19) VCF-style: chr5-112173832-A-G.
Other names: c.2541A>G, p.Glu847= (NM_001127510.3, NM_001354895.2, NM_001407450.1); c.2487A>G, p.Glu829= (NM_001127511.3); c.2595A>G, p.Glu865= (NM_001354896.2, NM_001407447.1, NM_001407448.1 and 1 more transcripts); c.2571A>G, p.Glu857= (NM_001354897.2); c.2466A>G, p.Glu822= (NM_001354898.2); c.2457A>G, p.Glu819= (NM_001354899.2); c.2418A>G, p.Glu806= (NM_001354900.2); c.2364A>G, p.Glu788= (NM_001354901.2, NM_001407453.1); and 11 more.
Identifiers: ClinVar variation 1792824 (VCV001792824.5), dbSNP rs2149872002, ClinGen allele CA445962842.